The following is an entry in ClinVar:

ClinVar aggregate classification (germline): Uncertain significance (1 of 4 stars; one submission).

Conditions:
Charcot-Marie-Tooth disease axonal type 2Z. Also called: CHARCOT-MARIE-TOOTH DISEASE, AXONAL, AUTOSOMAL DOMINANT, TYPE 2Z; CHARCOT-MARIE-TOOTH NEUROPATHY, TYPE 2Z. Identifiers: Orphanet 466768, MedGen C5569025, MONDO:0014736, OMIM 616688.

Allele frequency attached by ClinVar (database versions not stated): ExAC 0.00001; gnomAD exomes 0.00001.
gnomAD v4.1: 3 of 1,614,176 alleles (0.00019%); highest among the groups gnomAD compares: South Asian, 0.0033%; no homozygotes.

Submission:

Labcorp Genetics (formerly Invitae), Labcorp
Classification: Uncertain significance for Charcot-Marie-Tooth disease axonal type 2Z. Last evaluated: 2022-06-20. Review status: criteria provided, single submitter. Criteria: Invitae Variant Classification Sherloc (09022015). Collection method: clinical testing. Allele origin: germline.
Comment: In summary, the available evidence is currently insufficient to determine the role of this variant in disease. Therefore, it has been classified as a Variant of Uncertain Significance. Algorithms developed to predict the effect of missense changes on protein structure and function (SIFT, PolyPhen-2, Align-GVGD) all suggest that this variant is likely to be tolerated. ClinVar contains an entry for this variant (Variation ID: 660896). This variant has not been reported in the literature in individuals affected with MORC2-related conditions. This variant is present in population databases (rs750265510, gnomAD 0.006%). This sequence change replaces glutamic acid, which is acidic and polar, with lysine, which is basic and polar, at codon 119 of the MORC2 protein (p.Glu119Lys).

NM_001303256.3(MORC2):c.541G>A (p.Glu181Lys)

Gene: MORC2 (MORC family CW-type zinc finger 2; minus strand). Cytogenetic location: 22q12.2.
Variant type: single nucleotide variant.
Coding change: c.541G>A on transcript NM_001303256.3 (MANE Select); coding-DNA position 541, G replaced by A.
Protein change: p.Glu181Lys; replaces glutamic acid 181 with lysine.
Molecular consequence: missense variant.
Genome position (GRCh38, 1-based): chr22:30,942,157, C>T on the plus strand (G>A on the coding strand, the complement: MORC2 is on the minus strand). VCF-style: chr22-30942157-C-T. GRCh37 (hg19) VCF-style: chr22-31338144-C-T.
Other names: c.541G>A, p.Glu181Lys (NM_001303257.2); c.355G>A, p.Glu119Lys (NM_014941.3); short protein forms E181K, E119K.
Identifiers: ClinVar variation 660896 (VCV000660896.9), dbSNP rs750265510, ClinGen allele CA10187229.